The following is an entry in ClinVar:

NM_014974.3(DIP2C):c.799C>T (p.Arg267Ter)

Genes: DIP2C (disco interacting protein 2 homolog C; minus strand), LOC126860807 (CDK7 strongly-dependent group 2 enhancer GRCh37_chr10:461462-462661; plus strand). Cytogenetic location: 10p15.3.
Variant type: single nucleotide variant.
Coding change: c.799C>T on transcript NM_014974.3 (MANE Select); coding-DNA position 799, C replaced by T.
Protein change: p.Arg267Ter; replaces arginine 267 with a stop codon.
Molecular consequence: nonsense.
Genome position (GRCh38, 1-based): chr10:415,829, G>A on the plus strand (C>T on the coding strand, the complement: DIP2C is on the minus strand). VCF-style: chr10-415829-G-A. GRCh37 (hg19) VCF-style: chr10-461769-G-A.
Other names: short protein forms R267*.
Identifiers: ClinVar variation 4240674 (VCV004240674.1).
Genomic context (GRCh38, chr10:415,829, plus strand): 5'-CTTCTAATAATTCTTCAAAGTCATCGACAAAGAATTCTCGTAAAGGTGGTCGTTTCGGTC[G>A]TTTGAGGGTATTGACAAGCTGCTGGATTTTTGCTGACACCCGGCTACTTACTGGTACTCC-3'

ClinVar aggregate classification (germline): Pathogenic (1 of 4 stars; one submission).

Conditions:
Inborn genetic diseases. Identifiers: MedGen C0950123, MeSH D030342.

gnomAD v4.1: 1 of 1,613,898 alleles (0.000062%); highest among the groups gnomAD compares: Non-Finnish European, 0.000085%; no homozygotes.

Submission:

Ambry Genetics
Classification: Pathogenic for Inborn genetic diseases. Last evaluated: 2025-09-10. Review status: criteria provided, single submitter. Criteria: Ambry Variant Classification Scheme 2023. Collection method: clinical testing. Allele origin: germline.
Comment: The c.799C>T (p.R267*) alteration, located in coding exon 7 of the DIP2C gene, consists of a C to T substitution at nucleotide position 799. This changes the amino acid from an arginine (R) to a stop codon at amino acid position 267. This alteration is expected to result in loss of function by premature protein truncation or nonsense-mediated mRNA decay. This variant was not reported in population-based cohorts in the Genome Aggregation Database (gnomAD). Based on the available evidence, this alteration is classified as pathogenic.